The following is an entry in ClinVar:

NC_000015.9:g.(?_72991823)_(73029818_?)del

Gene: BBS4 (Bardet-Biedl syndrome 4; plus strand). Cytogenetic location: 15q24.1.
Variant type: Deletion.
Identifiers: ClinVar variation 3243771 (VCV003243771.1).

ClinVar aggregate classification (germline): Pathogenic (1 of 4 stars; one submission).

Conditions:
Bardet-Biedl syndrome (BBS). Identifiers: Orphanet 110, MedGen C0752166, MONDO:0015229.

Submission:

Labcorp Genetics (formerly Invitae), Labcorp
Classification: Pathogenic for Bardet-Biedl syndrome. Last evaluated: 2023-09-14. Review status: criteria provided, single submitter. Criteria: Invitae Variant Classification Sherloc (09022015). Collection method: clinical testing. Allele origin: unknown.
Comment: This variant is a gross deletion of the genomic region encompassing exon(s) 3-15 of the BBS4 gene. This variant would be expected to be in-frame, preserving the integrity of the reading frame. This variant has not been reported in the literature in individuals affected with BBS4-related conditions. This variant is also known as c.76+4256_1452del. This variant disrupts a region of the BBS4 protein in which other variant(s) (p.Gly209Glu) have been determined to be pathogenic (PMID: 17558852; Invitae). This suggests that this is a clinically significant region of the protein, and that variants that disrupt it are likely to be disease-causing. For these reasons, this variant has been classified as Pathogenic.

Literature cited by the submitters: PubMed 17558852.